The following is an entry in ClinVar:

NM_017445.3(H2BC12L):c.45G>A (p.Ser15=)

Genes: H2BC12L (H2B clustered histone 12 like; plus strand), HSF2BP (heat shock transcription factor 2 binding protein; minus strand). Cytogenetic location: 21q22.3.
Variant type: single nucleotide variant.
Coding change: c.45G>A on transcript NM_017445.3 (MANE Select); coding-DNA position 45, G replaced by A.
Protein change: p.Ser15=; no amino-acid change (serine 15 retained).
Molecular consequence: synonymous variant. On other transcripts: intron variant (1).
Genome position (GRCh38, 1-based): chr21:43,565,283, G>A. VCF-style: chr21-43565283-G-A. GRCh37 (hg19) VCF-style: chr21-44985164-G-A.
Other names: c.796+26942C>T (NM_007031.2).
Identifiers: ClinVar variation 4533710 (VCV004533710.6).

ClinVar aggregate classification (germline): Likely benign (1 of 4 stars; one submission).

Submission:

CeGaT Center for Human Genetics Tuebingen
Classification: Likely benign. Last evaluated: 2025-10-01. Review status: criteria provided, single submitter. Criteria: CeGaT Center For Human Genetics Tuebingen Variant Classification Criteria Version 2. Collection method: clinical testing. Allele origin: germline. Affected: yes. Observed: 1 variant allele.
Comment: H2BC12L: PM2:Supporting, BP4, BP7